The following is an entry in ClinVar:

ClinVar aggregate classification (germline): Uncertain significance (1 of 4 stars; one submission).

gnomAD v4.1: 6 of 1,614,262 alleles (0.00037%); highest among the groups gnomAD compares: Non-Finnish European, 0.00051%; no homozygotes.

Submission:

Labcorp Genetics (formerly Invitae), Labcorp
Classification: Uncertain significance. Last evaluated: 2022-07-08. Review status: criteria provided, single submitter. Criteria: Invitae Variant Classification Sherloc (09022015). Collection method: clinical testing. Allele origin: germline.
Comment: In summary, the available evidence is currently insufficient to determine the role of this variant in disease. Therefore, it has been classified as a Variant of Uncertain Significance. Algorithms developed to predict the effect of missense changes on protein structure and function output the following: SIFT: "Tolerated"; PolyPhen-2: "Benign"; Align-GVGD: "Class C0". The leucine amino acid residue is found in multiple mammalian species, which suggests that this missense change does not adversely affect protein function. This variant has not been reported in the literature in individuals affected with EXTL3-related conditions. This variant is not present in population databases (gnomAD no frequency). This sequence change replaces methionine, which is neutral and non-polar, with leucine, which is neutral and non-polar, at codon 245 of the EXTL3 protein (p.Met245Leu).

NM_001440.4(EXTL3):c.733A>T (p.Met245Leu)

Gene: EXTL3 (exostosin like glycosyltransferase 3; plus strand). Cytogenetic location: 8p21.1.
Variant type: single nucleotide variant.
Coding change: c.733A>T on transcript NM_001440.4 (MANE Select); coding-DNA position 733, A replaced by T.
Protein change: p.Met245Leu; replaces methionine 245 with leucine.
Molecular consequence: missense variant.
Genome position (GRCh38, 1-based): chr8:28,716,792, A>T. VCF-style: chr8-28716792-A-T. GRCh37 (hg19) VCF-style: chr8-28574309-A-T.
Other names: short protein forms M245L.
Identifiers: ClinVar variation 2015145 (VCV002015145.4), dbSNP rs2486622172, ClinGen allele CA370857255.